The following is an entry in ClinVar:

NM_004807.3(HS6ST1):c.136G>C (p.Gly46Arg)

Gene: HS6ST1 (heparan sulfate 6-O-sulfotransferase 1; minus strand). Cytogenetic location: 2q14.3.
Variant type: single nucleotide variant.
Coding change: c.136G>C on transcript NM_004807.3 (MANE Select); coding-DNA position 136, G replaced by C.
Protein change: p.Gly46Arg; replaces glycine 46 with arginine.
Molecular consequence: missense variant.
Genome position (GRCh38, 1-based): chr2:128,318,428, C>G on the plus strand (G>C on the coding strand, the complement: HS6ST1 is on the minus strand). VCF-style: chr2-128318428-C-G. GRCh37 (hg19) VCF-style: chr2-129076002-C-G.
Other names: short protein forms G46R.
Identifiers: ClinVar variation 4676977 (VCV004676977.2).

ClinVar aggregate classification (germline): Uncertain significance. Review status: criteria provided, multiple submitters, no conflicts (2 of 4 stars). 2 submissions from 2 submitters: Uncertain significance (2). Last evaluated 2026-01-12.

gnomAD v4.1: 12 of 1,595,000 alleles (0.00075%); highest among the groups gnomAD compares: Admixed American, 0.0018%; no homozygotes.

Submissions (2):

Labcorp Genetics (formerly Invitae), Labcorp
Classification: Uncertain significance. Last evaluated: 2026-01-12. Review status: criteria provided, single submitter. Criteria: Invitae Variant Classification Sherloc (09022015). Collection method: clinical testing. Allele origin: germline.
Comment: This sequence change replaces glycine, which is neutral and non-polar, with arginine, which is basic and polar, at codon 46 of the HS6ST1 protein (p.Gly46Arg). The frequency data for this variant in the population databases is considered unreliable, as metrics indicate poor data quality at this position in the gnomAD database. This variant has not been reported in the literature in individuals affected with HS6ST1-related conditions. Invitae Evidence Modeling of protein sequence and biophysical properties (such as structural, functional, and spatial information, amino acid conservation, physicochemical variation, residue mobility, and thermodynamic stability) indicates that this missense variant is not expected to disrupt HS6ST1 protein function with a negative predictive value of 80%. In summary, the available evidence is currently insufficient to determine the role of this variant in disease. Therefore, it has been classified as a Variant of Uncertain Significance.

Ambry Genetics
Classification: Uncertain significance. Last evaluated: 2025-11-03. Review status: criteria provided, single submitter. Criteria: Ambry Variant Classification Scheme 2023. Collection method: clinical testing. Allele origin: germline.